The following is an entry in ClinVar:

ClinVar aggregate classification (germline): Likely benign. Review status: criteria provided, multiple submitters, no conflicts (2 of 4 stars). 3 submissions from 3 submitters: Likely benign (3). Last evaluated 2025-10-06.

Conditions:
Cohen syndrome (COH1). Also called: Cutis verticis gyrata, retinitis pigmentosa, and sensorineural deafness; PEPPER SYNDROME. Identifiers: Orphanet 193, MedGen C0265223, MONDO:0008999, OMIM 216550.
VPS13B-related disorder. Also called: VPS13B-related condition.

Allele frequency attached by ClinVar (database versions not stated): gnomAD exomes below 0.00001; ExAC 0.00001; TOPMed 0.00001.
gnomAD v4.1: 4 of 1,613,954 alleles (0.00025%); highest among the groups gnomAD compares: Non-Finnish European, 0.00025%; no homozygotes.

Submissions (3):

PreventionGenetics, part of Exact Sciences
Classification: Likely benign for VPS13B-related condition. Last evaluated: 2025-10-06. Review status: criteria provided, single submitter. Criteria: ACMG Guidelines, 2015. Collection method: clinical testing. Allele origin: germline.
Comment: This variant is classified as likely benign based on ACMG/AMP sequence variant interpretation guidelines (Richards et al. 2015 PMID: 25741868, with internal and published modifications).

CeGaT Center for Human Genetics Tuebingen
Classification: Likely benign. Last evaluated: 2023-09-01. Review status: criteria provided, single submitter. Criteria: CeGaT Center For Human Genetics Tuebingen Variant Classification Criteria Version 2. Collection method: clinical testing. Allele origin: germline. Affected: yes. Observed: 1 variant allele.
Comment: VPS13B: BP4, BP7

Labcorp Genetics (formerly Invitae), Labcorp
Classification: Likely benign for Cohen syndrome. Last evaluated: 2023-08-10. Review status: criteria provided, single submitter. Criteria: Invitae Variant Classification Sherloc (09022015). Collection method: clinical testing. Allele origin: germline.

NM_152564.5(VPS13B):c.8709A>G (p.Thr2903=)

Gene: VPS13B (vacuolar protein sorting 13 homolog B; plus strand). Cytogenetic location: 8q22.2.
Variant type: single nucleotide variant.
Coding change: c.8709A>G on transcript NM_152564.5 (MANE Select); coding-DNA position 8709, A replaced by G.
Protein change: p.Thr2903=; no amino-acid change (threonine 2903 retained).
Molecular consequence: synonymous variant.
Genome position (GRCh38, 1-based): chr8:99,819,499, A>G. VCF-style: chr8-99819499-A-G. GRCh37 (hg19) VCF-style: chr8-100831727-A-G.
Other names: c.8784A>G, p.Thr2928= (NM_017890.5); c.8709A>G (NM_152564.4).
Identifiers: ClinVar variation 1150895 (VCV001150895.33), dbSNP rs765352584, ClinGen allele CA4824526.